The following is an entry in ClinVar:

ClinVar aggregate classification (germline): Pathogenic/Likely pathogenic. Review status: criteria provided, multiple submitters, no conflicts (2 of 4 stars). 4 submissions from 4 submitters: Pathogenic (1); Likely pathogenic (3). Last evaluated 2025-08-05.

Conditions:
Focal epilepsy. Also called: partial epilepsy. Identifiers: MedGen C0014547, MeSH D004828, MONDO:0005384.
Developmental and epileptic encephalopathy, 42 (DEE42A). Also called: EPILEPTIC ENCEPHALOPATHY, EARLY INFANTILE, 42A; Epileptic encephalopathy, early infantile, 42; DEVELOPMENTAL AND EPILEPTIC ENCEPHALOPATHY 42A. Identifiers: MedGen C4310716, MONDO:0014917, OMIM 617106.
Episodic ataxia type 2 (EA2). Also called: ATAXIA, EPISODIC, WITH NYSTAGMUS; ATAXIA, FAMILIAL PAROXYSMAL; CEREBELLAR ATAXIA, PAROXYSMAL, ACETAZOLAMIDE-RESPONSIVE; CEREBELLOPATHY, HEREDITARY PAROXYSMAL; EPISODIC ATAXIA, NYSTAGMUS-ASSOCIATED; ACETAZOLAMIDE-RESPONSIVE HEREDITARY PAROXYSMAL CEREBELLAR ATAXIA. Identifiers: Orphanet 97, MedGen C1720416, MONDO:0007163, OMIM 108500.

Submissions (4):

Unidad de Genómica Garrahan, Hospital de Pediatría Garrahan
Classification: Likely pathogenic for Focal epilepsy. Last evaluated: 2025-08-05. Review status: criteria provided, single submitter. Criteria: ACMG Guidelines, 2015. Collection method: clinical testing. Allele origin: germline. Affected: yes.
Comment: This variant is not present in gnomAD population databases (PM2_sup). Computational prediction tools support a deleterious effect on the gene (PP3_mod). Variant is located in a mutational hotspot (PM1_mod). Different amino acid change as a known pathogenic variant (PM5_mod).

CeGaT Center for Human Genetics Tuebingen
Classification: Likely pathogenic. Last evaluated: 2025-08-01. Review status: criteria provided, single submitter. Criteria: CeGaT Center For Human Genetics Tuebingen Variant Classification Criteria Version 2. Collection method: clinical testing. Allele origin: germline. Affected: yes. Observed: 1 variant allele.
Comment: CACNA1A: PS2, PM2, PS4:Moderate, PP3

Labcorp Genetics (formerly Invitae), Labcorp
Classification: Pathogenic for Developmental and epileptic encephalopathy, 42; Episodic ataxia type 2. Last evaluated: 2023-04-29. Review status: criteria provided, single submitter. Criteria: Invitae Variant Classification Sherloc (09022015). Collection method: clinical testing. Allele origin: germline.
Comment: For these reasons, this variant has been classified as Pathogenic. Advanced modeling of protein sequence and biophysical properties (such as structural, functional, and spatial information, amino acid conservation, physicochemical variation, residue mobility, and thermodynamic stability) performed at Invitae indicates that this missense variant is expected to disrupt CACNA1A protein function. This missense change has been observed in individual(s) with clinical features of developmental and epileptic encephalopathy (PMID: 33425808). In at least one individual the variant was observed to be de novo. This variant is not present in population databases (gnomAD no frequency). This sequence change replaces tyrosine, which is neutral and polar, with cysteine, which is neutral and slightly polar, at codon 62 of the CACNA1A protein (p.Tyr62Cys).

Pediatric Department, Xiangya Hospital, Central South University
Classification: Likely pathogenic for Developmental and epileptic encephalopathy, 42. Last evaluated: 2021-01-07. Review status: criteria provided, single submitter. Criteria: ACMG Guidelines, 2015. Collection method: clinical testing. Allele origin: de novo. Affected: no.

Literature cited by the submitters: PubMed 33425808 (cited by Labcorp Genetics (formerly Invitae), Labcorp).

NM_001127222.2(CACNA1A):c.185A>G (p.Tyr62Cys)

Gene: CACNA1A (calcium voltage-gated channel subunit alpha1 A; minus strand). Cytogenetic location: 19p13.13.
Variant type: single nucleotide variant.
Coding change: c.185A>G on transcript NM_001127222.2 (MANE Select); coding-DNA position 185, A replaced by G.
Protein change: p.Tyr62Cys; replaces tyrosine 62 with cysteine.
Molecular consequence: missense variant.
Genome position (GRCh38, 1-based): chr19:13,506,040, T>C on the plus strand (A>G on the coding strand, the complement: CACNA1A is on the minus strand). VCF-style: chr19-13506040-T-C. GRCh37 (hg19) VCF-style: chr19-13616854-T-C.
Other names: c.185A>G, p.Tyr62Cys (NM_000068.4, NM_001127221.2, NM_001174080.2 and 1 more transcripts); short protein forms Y62C.
Identifiers: ClinVar variation 2504606 (VCV002504606.13), dbSNP rs2513709034, ClinGen allele CA404971022.